The following is an entry in ClinVar:

ClinVar aggregate classification (germline): Uncertain significance. Review status: criteria provided, multiple submitters, no conflicts (2 of 4 stars). 3 submissions from 3 submitters: Uncertain significance (3). Last evaluated 2025-03-12.

Conditions:
Gorlin syndrome. Also called: Basal cell nevus syndrome; Nevoid Basal Cell Carcinoma Syndrome. Identifiers: Orphanet 377, MedGen C0004779, MONDO:0007187.
Hereditary cancer-predisposing syndrome. Also called: Hereditary neoplastic syndrome; Tumor predisposition; Neoplastic Syndromes, Hereditary; Hereditary Cancer Syndrome. Identifiers: Orphanet 140162, MedGen C0027672, MeSH D009386, MONDO:0015356.

Allele frequency attached by ClinVar (database versions not stated): gnomAD exomes below 0.00001.

Submissions (3):

Labcorp Genetics (formerly Invitae), Labcorp
Classification: Uncertain significance for Gorlin syndrome. Last evaluated: 2025-03-12. Review status: criteria provided, single submitter. Criteria: Invitae Variant Classification Sherloc (09022015). Collection method: clinical testing. Allele origin: germline.
Comment: This sequence change replaces tyrosine, which is neutral and polar, with serine, which is neutral and polar, at codon 630 of the PTCH1 protein (p.Tyr630Ser). This variant is not present in population databases (gnomAD no frequency). This variant has not been reported in the literature in individuals affected with PTCH1-related conditions. ClinVar contains an entry for this variant (Variation ID: 963891). Invitae Evidence Modeling of protein sequence and biophysical properties (such as structural, functional, and spatial information, amino acid conservation, physicochemical variation, residue mobility, and thermodynamic stability) indicates that this missense variant is not expected to disrupt PTCH1 protein function with a negative predictive value of 95%. In summary, the available evidence is currently insufficient to determine the role of this variant in disease. Therefore, it has been classified as a Variant of Uncertain Significance.

Ambry Genetics
Classification: Uncertain significance for Hereditary cancer-predisposing syndrome. Last evaluated: 2025-01-27. Review status: criteria provided, single submitter. Criteria: Ambry Variant Classification Scheme 2023. Collection method: clinical testing. Allele origin: germline.
Comment: The p.Y630S variant (also known as c.1889A>C), located in coding exon 14 of the PTCH1 gene, results from an A to C substitution at nucleotide position 1889. The tyrosine at codon 630 is replaced by serine, an amino acid with dissimilar properties. This amino acid position is highly conserved in available vertebrate species. In addition, this alteration is predicted to be deleterious by in silico analysis. Based on the available evidence, the clinical significance of this variant remains unclear.

Genetic Services Laboratory, University of Chicago
Classification: Uncertain significance. Last evaluated: 2021-02-23. Review status: criteria provided, single submitter. Criteria: ACMG Guidelines, 2015. Collection method: clinical testing. Allele origin: germline. Affected: no.
Comment: DNA sequence analysis of the PTCH1 gene demonstrated a sequence change, c.1889A>C, in exon 14 that results in an amino acid change, p.Tyr630Ser. This sequence change is absent from known population databases (gnomAD). The p.Tyr630Ser change affects a moderately conserved amino acid residue located in a domain of the PTCH1 protein that is known to be functional. In-silico pathogenicity prediction tools (SIFT, PolyPhen2, Align GVGD, REVEL) provide contradictory results for the p.Tyr630Ser substitution. This sequence change does not appear to have been previously described in patients with PTCH1-related disorders. Due to the lack of sufficient evidences, the clinical significance of the p.Tyr630Ser change remains unknown at this time.

NM_000264.5(PTCH1):c.1889A>C (p.Tyr630Ser)

Genes: PTCH1 (patched 1; minus strand), LOC100507346 (uncharacterized LOC100507346; plus strand). Cytogenetic location: 9q22.32.
Variant type: single nucleotide variant.
Coding change: c.1889A>C on transcript NM_000264.5 (MANE Select); coding-DNA position 1889, A replaced by C.
Protein change: p.Tyr630Ser; replaces tyrosine 630 with serine.
Molecular consequence: missense variant. On other transcripts: non-coding transcript variant (2).
Genome position (GRCh38, 1-based): chr9:95,469,112, T>G on the plus strand (A>C on the coding strand, the complement: PTCH1 is on the minus strand). VCF-style: chr9-95469112-T-G. GRCh37 (hg19) VCF-style: chr9-98231394-T-G.
Other names: c.1691A>C, p.Tyr564Ser (NM_001083602.3); c.1886A>C, p.Tyr629Ser (NM_001083603.3); c.1436A>C, p.Tyr479Ser (NM_001083604.3, NM_001083605.3, NM_001083606.3 and 1 more transcripts); c.1733A>C, p.Tyr578Ser (NM_001354918.2); short protein forms Y479S, Y578S, Y630S, Y564S, Y629S.
Identifiers: ClinVar variation 963891 (VCV000963891.16), dbSNP rs1840320961, ClinGen allele CA374116107.